The following is an entry in ClinVar:

NM_001374828.1(ARID1B):c.5402del (p.Gly1801fs)

Gene: ARID1B (AT-rich interaction domain 1B; plus strand). Cytogenetic location: 6q25.3.
Variant type: Deletion.
Coding change: c.5402del on transcript NM_001374828.1 (MANE Select); coding-DNA position 5402, one base deleted (G; older notation c.5402delG).
Protein change: p.Gly1801fs; shifts the reading frame from glycine 1801.
Molecular consequence: frameshift variant.
Genome position (GRCh38, 1-based): chr6:157,206,174, G deleted; the last of 2 consecutive G bases (chr6:157,206,173-157,206,174); deleting either gives the same sequence. VCF-style (leftmost placement, unchanged base first): chr6-157206172-TG-T. GRCh37 (hg19) VCF-style: chr6-157527306-TG-T.
Other names: c.2903del, p.Gly968fs (NM_001363725.2); c.5282del, p.Gly1761fs (NM_001371656.1, NM_001374820.1); c.5243del, p.Gly1748fs (NM_017519.3); short protein forms G1748fs, G1761fs, G1801fs, G968fs.
Identifiers: ClinVar variation 1526206 (VCV001526206.1), dbSNP rs2128391037, ClinGen allele CA2573140707.

ClinVar aggregate classification (germline): Likely pathogenic (1 of 4 stars; one submission).

Conditions:
Coffin-Siris syndrome 1 (CSS1). Also called: Mental retardation, autosomal dominant 12; ARID1B-Related Coffin-Siris Syndrome. Identifiers: Orphanet 1465, MedGen C3281201, MONDO:0007617, OMIM 135900. Disease mechanism: gain of function.

Submission:

3billion
Classification: Likely pathogenic for Coffin-Siris syndrome 1. Last evaluated: 2022-03-22. Review status: criteria provided, single submitter. Criteria: ACMG Guidelines, 2015. Collection method: clinical testing. Allele origin: germline. Affected: yes. Observed: 1 heterozygote.
Comment: Frameshift: predicted to result in a loss or disruption of normal protein function through protein truncation. The predicted truncated protein may be shortened by more than 10%.It is not observed in the gnomAD v2.1.1 dataset. Therefore, this variant is classified as likely pathogenic according to the recommendation of ACMG/AMP guideline.